The following is an entry in ClinVar:

ClinVar aggregate classification (germline): Conflicting classifications of pathogenicity. Review status: criteria provided, conflicting classifications (1 of 4 stars). 7 submissions from 7 submitters: Pathogenic (4); Likely pathogenic (1); Uncertain significance (2). Last evaluated 2026-07-14.

Conditions:
Ehlers Danlos syndrome with a likely monogenic cause.
Osteogenesis imperfecta type I (OI1). Also called: Lobstein's Disease; OI, TYPE I; OSTEOGENESIS IMPERFECTA TARDA; OSTEOGENESIS IMPERFECTA WITH BLUE SCLERAE; Lobstein disease; Osteogenesis imperfecta type 1. Identifiers: Orphanet 216796, Orphanet 666, MedGen C0023931, MONDO:0008146, OMIM 166200. Disease mechanism: loss of function.
Ehlers-Danlos syndrome, classic type, 1 (EDSCL1). Also called: EHLERS-DANLOS SYNDROME, GRAVIS TYPE; EHLERS-DANLOS SYNDROME, SEVERE CLASSIC TYPE; Ehlers-Danlos syndrome, type 1; Ehlers-Danlos Syndrome, Classic Type, COL5A1-Related; EDS I. Identifiers: MedGen C0268335, MONDO:0019567, OMIM 130000.
Cardiovascular phenotype. Identifiers: MedGen CN230736.
Osteogenesis imperfecta (OI). Identifiers: Orphanet 666, MedGen C0029434, MeSH D010013, MONDO:0019019.

Allele frequency attached by ClinVar (database versions not stated): gnomAD exomes 0.00003; ExAC 0.00001; TOPMed 0.00001.
gnomAD v4.1: 42 of 1,614,088 alleles (0.0026%); highest among the groups gnomAD compares: Non-Finnish European, 0.0035%; no homozygotes.

Submissions (7):

GeneDx
Classification: Pathogenic. Last evaluated: 2026-07-14. Review status: criteria provided, single submitter. Criteria: GeneDx Variant Classification Process June 2021. Collection method: clinical testing. Allele origin: germline.
Comment: Occurs in the triple helical domain and replaces a glycine in a canonical Gly-X-Y repeat; missense substitution of a canonical glycine residue is expected to disrupt normal protein folding and function, and this is an established mechanism of disease (PMID: 34007986); In silico analysis supports that this missense variant has a deleterious effect on protein structure/function; Not observed at significant frequency in large population cohorts (gnomAD); This variant is associated with the following publications: (PMID: 36900016, 35830949, 36896471, 35909573, 34007986, 42425254)

Ambry Genetics
Classification: Uncertain significance for Cardiovascular phenotype. Last evaluated: 2026-05-19. Review status: criteria provided, single submitter. Criteria: Ambry Variant Classification Scheme 2023. Collection method: clinical testing. Allele origin: germline.
Comment: The p.G943R variant (also known as c.2827G>A), located in coding exon 43 of the COL1A2 gene, results from a G to A substitution at nucleotide position 2827. The glycine at codon 943 is replaced by arginine, an amino acid with dissimilar properties. The majority of pathogenic mutations identified to date in COL1A2 have involved the substitution of another amino acid for glycine within the triple-helical domain (Dagleish R.Nucleic Acids Res.1997 Jan 1;25(1):181-7; Marini JC et al.Hum Mutat.2007 Mar;28(3):209-21; Bardai G et al.Osteoporos Int2016 Dec;27(12):3607-3613). This variant was reported in individual(s) with features consistent with COL1A2-related osteogenesis imperfecta/overlap disorder (Mei Y et al. Front Endocrinol (Lausanne), 2022 Jul;13:935905; Al Kaissi A et al. Diagnostics (Basel), 2023 Feb;13:[ePub ahead of print]; Venable E et al. Am J Med Genet C Semin Med Genet, 2023 Jun;193:147-159); however, this variant was also detected in multiple individuals with no reported features of COL1A2-related osteogenesis imperfecta/overlap disorder (Salmasi MY et al. Int J Cardiol, 2022 Nov;366:1-9; external communication). Internal structural analysis indicates that this alteration disrupts the characteristic G-X-Y motif in theCOL1A2protein and inserts a bulky side chain into asterically-constrainedregion (Bella J et al.Science.1994;266:75-81;HohenesterE et al.Proc. Natl.Acad. Sci. U.S.A.2008;105:18273-7; Ambry internal data). This amino acid position is highly conserved in available vertebrate species. In addition, this alteration is predicted to be deleterious by in silico analysis. Based on the available evidence, the clinical significance of this variant remains unclear.

Labcorp Genetics (formerly Invitae), Labcorp
Classification: Pathogenic for Osteogenesis imperfecta type I; Ehlers-Danlos syndrome, classic type, 1. Last evaluated: 2025-11-08. Review status: criteria provided, single submitter. Criteria: Invitae Variant Classification Sherloc (09022015). Collection method: clinical testing. Allele origin: germline.
Comment: This sequence change replaces glycine, which is neutral and non-polar, with arginine, which is basic and polar, at codon 943 of the COL1A2 protein (p.Gly943Arg). This variant is not present in population databases (gnomAD no frequency). This missense change has been observed in individual(s) with osteogenesis imperfecta (internal data). ClinVar contains an entry for this variant (Variation ID: 35944). Invitae Evidence Modeling of protein sequence and biophysical properties (such as structural, functional, and spatial information, amino acid conservation, physicochemical variation, residue mobility, and thermodynamic stability) indicates that this missense variant is expected to disrupt COL1A2 protein function with a positive predictive value of 95%. This variant disrupts the triple helix domain of COL1A2. Glycine residues within the Gly-Xaa-Yaa repeats of the triple helix domain are required for the structure and stability of fibrillar collagens (PMID: 7695699, 8218237, 19344236). In COL1A2, variants affecting these glycine residues are significantly enriched in individuals with disease (PMID: 9016532, 17078022) compared to the general population (ExAC). For these reasons, this variant has been classified as Pathogenic.

North East and Yorkshire NHS Genomic Laboratory Hub
Classification: Uncertain significance for Ehlers Danlos syndrome with a likely monogenic cause. Last evaluated: 2025-11-03. Review status: criteria provided, single submitter. Criteria: ACMG Guidelines, 2015. Collection method: clinical testing. Allele origin: germline. Inheritance: Autosomal dominant inheritance. Affected: yes.
Comment: 'BS2;PM1_STR;BS1_SUP;PS4_N/A;PP3'

Women's Health and Genetics/Laboratory Corporation of America, LabCorp
Classification: Pathogenic for Osteogenesis imperfecta. Last evaluated: 2025-08-29. Review status: criteria provided, single submitter. Criteria: LabCorp Variant Classification Summary - May 2015. Collection method: clinical testing. Allele origin: germline.
Comment: Variant summary: COL1A2 c.2827G>A (p.Gly943Arg) results in a non-conservative amino acid change located in the collagen triple helix repeat (IPR008160) of the encoded protein sequence. Algorithms developed to predict the effect of missense changes on protein structure and function all suggest that this variant is likely to be disruptive. The variant allele was found at a frequency of 2.6e-05 in 1614088 control chromosomes. This frequency is not significantly higher than estimated for disease-causing variants in COL1A2, allowing no conclusion about variant significance. c.2827G>A has been observed in individuals affected with COL1A2-related disorders (e.g., AlKaissi_2023, Mei_2022, Salmasi_2022, Venable_2023, internal data). These data indicate that the variant is likely to be associated with disease. To our knowledge, no experimental evidence demonstrating an impact on protein function has been reported. The following publications have been ascertained in the context of this evaluation (PMID: 36900016, 35909573, 35830949, 36896471). ClinVar contains an entry for this variant (Variation ID: 35944). Based on the evidence outlined above, the variant was classified as pathogenic.

Athena Diagnostics
Classification: Pathogenic. Last evaluated: 2025-06-16. Review status: criteria provided, single submitter. Criteria: Athena Diagnostics Criteria. Collection method: clinical testing. Allele origin: unknown.
Comment: This variant has not been reported in large, multi-ethnic general populations. A majority of pathogenic missense variants in this gene involve the substitution of a glycine residue in the triple-helix domain, resulting in disruption of protein function (PMID: 29632050, 21421911, 19344236). This variant has been identified in individuals with osteogenesis imperfecta and at least one individual with combined osteogenesis imperfecta and Ehlers-Danlos syndrome. In one family incomplete penetrance was noted (PMID: 35909573). The variant is located in a region that is considered important for protein function and/or structure. At least one other missense variant at this codon is considered to be pathogenic or likely pathogenic, suggesting this variant may also cause disease.

Mayo Clinic Laboratories, Mayo Clinic
Classification: Likely pathogenic. Last evaluated: 2024-02-15. Review status: criteria provided, single submitter. Criteria: ACMG Guidelines, 2015. Collection method: clinical testing. Allele origin: germline.
Comment: PP3, PM1_strong, PM2, PS4_moderate

Literature cited by the submitters: PubMed 35830949 (cited by 4 submitters); PubMed 35909573 (cited by 3 submitters); PubMed 36896471 (cited by 4 submitters); PubMed 36900016 (cited by 4 submitters); PubMed 7695699 (cited by Labcorp Genetics (formerly Invitae), Labcorp); PubMed 8218237 (cited by Labcorp Genetics (formerly Invitae), Labcorp); PubMed 19344236 (cited by Labcorp Genetics (formerly Invitae), Labcorp); PubMed 9016532 (cited by Labcorp Genetics (formerly Invitae), Labcorp); PubMed 17078022 (cited by Labcorp Genetics (formerly Invitae), Labcorp); PubMed 27509835 (cited by Mayo Clinic Laboratories, Mayo Clinic); PubMed 31193991 (cited by Mayo Clinic Laboratories, Mayo Clinic); PubMed 31794058 (cited by Mayo Clinic Laboratories, Mayo Clinic).

NM_000089.4(COL1A2):c.2827G>A (p.Gly943Arg)

Gene: COL1A2 (collagen type I alpha 2 chain; plus strand). Cytogenetic location: 7q21.3.
Variant type: single nucleotide variant.
Coding change: c.2827G>A on transcript NM_000089.4 (MANE Select); coding-DNA position 2827, G replaced by A.
Protein change: p.Gly943Arg; replaces glycine 943 with arginine.
Molecular consequence: missense variant.
Genome position (GRCh38, 1-based): chr7:94,425,655, G>A. VCF-style: chr7-94425655-G-A. GRCh37 (hg19) VCF-style: chr7-94054967-G-A.
Other names: short protein forms G943R.
Identifiers: ClinVar variation 35944 (VCV000035944.25), dbSNP rs193922165, ClinGen allele CA260359.
Genomic context (GRCh38, chr7:94,425,655, plus strand): 5'-GTGGTGTCTTCACAGGGCAACCCTGGGAACGATGGTCCCCCAGGTCGCGATGGTCAACCC[G>A]GACACAAGGTCAGTACACTTTTCATCTTTCTCTAATTCAAAAGTGATTAAAATGCAACCC-3'
Protein context (NP_000080.2, residues 933-953): DGPPGRDGQP[Gly943Arg]HKGERGYPGN